The following is an entry in ClinVar:

ClinVar aggregate classification (germline): Uncertain significance (1 of 4 stars; one submission).

Submission:

Labcorp Genetics (formerly Invitae), Labcorp
Classification: Uncertain significance. Last evaluated: 2025-12-01. Review status: criteria provided, single submitter. Criteria: Invitae Variant Classification Sherloc (09022015). Collection method: clinical testing. Allele origin: germline.
Comment: This sequence change replaces threonine, which is neutral and polar, with serine, which is neutral and polar, at codon 436 of the C8B protein (p.Thr436Ser). This variant is not present in population databases (gnomAD no frequency). This variant has not been reported in the literature in individuals affected with C8B-related conditions. ClinVar contains an entry for this variant (Variation ID: 2002816). An algorithm developed to predict the effect of missense changes on protein structure and function (PolyPhen-2) suggests that this variant is likely to be disruptive. In summary, the available evidence is currently insufficient to determine the role of this variant in disease. Therefore, it has been classified as a Variant of Uncertain Significance.

NM_000066.4(C8B):c.1307C>G (p.Thr436Ser)

Gene: C8B (complement C8 beta chain; minus strand). Cytogenetic location: 1p32.2.
Variant type: single nucleotide variant.
Coding change: c.1307C>G on transcript NM_000066.4 (MANE Select); coding-DNA position 1307, C replaced by G.
Protein change: p.Thr436Ser; replaces threonine 436 with serine.
Molecular consequence: missense variant.
Genome position (GRCh38, 1-based): chr1:56,940,940, G>C on the plus strand (C>G on the coding strand, the complement: C8B is on the minus strand). VCF-style: chr1-56940940-G-C. GRCh37 (hg19) VCF-style: chr1-57406613-G-C.
Other names: c.1151C>G, p.Thr384Ser (NM_001278543.2); c.1121C>G, p.Thr374Ser (NM_001278544.2); short protein forms T384S, T374S, T436S.
Identifiers: ClinVar variation 2002816 (VCV002002816.4), dbSNP rs2522708813, ClinGen allele CA340522586.